The following is an entry in ClinVar:

ClinVar aggregate classification (germline): Uncertain significance (1 of 4 stars; one submission).

Conditions:
Predisposition to invasive fungal disease due to CARD9 deficiency (IMD103). Also called: IMMUNODEFICIENCY 103, SUSCEPTIBILITY TO FUNGAL INFECTIONS; CARD9 IMMUNODEFICIENCY; Candidiasis, familial, 2, autosomal recessive. Identifiers: Orphanet 457088, MedGen C1859353, MONDO:0008905, OMIM 212050.

Allele frequency attached by ClinVar (database versions not stated): gnomAD exomes below 0.00001 and 0.00001; TOPMed below 0.00001; ExAC 0.00001; gnomAD 0.00001.
gnomAD v4.1: 10 of 1,608,844 alleles (0.00062%); highest among the groups gnomAD compares: East Asian, 0.0022%; no homozygotes.

Submission:

Labcorp Genetics (formerly Invitae), Labcorp
Classification: Uncertain significance for Predisposition to invasive fungal disease due to CARD9 deficiency. Last evaluated: 2021-08-31. Review status: criteria provided, single submitter. Criteria: Invitae Variant Classification Sherloc (09022015). Collection method: clinical testing. Allele origin: germline.
Comment: This sequence change replaces glutamine with arginine at codon 192 of the CARD9 protein (p.Gln192Arg). The glutamine residue is moderately conserved and there is a small physicochemical difference between glutamine and arginine. This variant is present in population databases (rs749914021, ExAC 0.006%). This variant has not been reported in the literature in individuals affected with CARD9-related conditions. Algorithms developed to predict the effect of missense changes on protein structure and function (SIFT, PolyPhen-2, Align-GVGD) all suggest that this variant is likely to be tolerated. In summary, the available evidence is currently insufficient to determine the role of this variant in disease. Therefore, it has been classified as a Variant of Uncertain Significance.

NM_052813.5(CARD9):c.575A>G (p.Gln192Arg)

Gene: CARD9 (caspase recruitment domain family member 9; minus strand). Cytogenetic location: 9q34.3.
Variant type: single nucleotide variant.
Coding change: c.575A>G on transcript NM_052813.5 (MANE Select); coding-DNA position 575, A replaced by G.
Protein change: p.Gln192Arg; replaces glutamine 192 with arginine.
Molecular consequence: missense variant.
Genome position (GRCh38, 1-based): chr9:136,370,893, T>C on the plus strand (A>G on the coding strand, the complement: CARD9 is on the minus strand). VCF-style: chr9-136370893-T-C. GRCh37 (hg19) VCF-style: chr9-139265345-T-C.
Other names: c.575A>G, p.Gln192Arg (NM_052814.4); short protein forms Q192R.
Identifiers: ClinVar variation 858373 (VCV000858373.3), dbSNP rs749914021, ClinGen allele CA5333092.